The following is an entry in ClinVar:

NM_006516.4(SLC2A1):c.1256G>A (p.Gly419Asp)

Gene: SLC2A1 (solute carrier family 2 member 1; minus strand). Cytogenetic location: 1p34.2.
Variant type: single nucleotide variant.
Coding change: c.1256G>A on transcript NM_006516.4 (MANE Select); coding-DNA position 1256, G replaced by A.
Protein change: p.Gly419Asp; replaces glycine 419 with aspartic acid.
Molecular consequence: missense variant.
Genome position (GRCh38, 1-based): chr1:42,927,627, C>T on the plus strand (G>A on the coding strand, the complement: SLC2A1 is on the minus strand). VCF-style: chr1-42927627-C-T. GRCh37 (hg19) VCF-style: chr1-43393298-C-T.
Other names: short protein forms G419D.
Identifiers: ClinVar variation 947682 (VCV000947682.11), dbSNP rs139722450, ClinGen allele CA339953651.

ClinVar aggregate classification (germline): Pathogenic/Likely pathogenic. Review status: criteria provided, multiple submitters, no conflicts (2 of 4 stars). 2 submissions from 2 submitters: Pathogenic (1); Likely pathogenic (1). Last evaluated 2026-04-17.

Conditions:
Inborn genetic diseases. Identifiers: MedGen C0950123, MeSH D030342.
GLUT1 deficiency syndrome 1, autosomal recessive. Identifiers: MedGen C3149117.

Submissions (2):

Ambry Genetics
Classification: Likely pathogenic for Inborn genetic diseases. Last evaluated: 2026-04-17. Review status: criteria provided, single submitter. Criteria: Ambry Variant Classification Scheme 2023. Collection method: clinical testing. Allele origin: germline.
Comment: The c.1256G>A (p.G419D) alteration is located in exon 9 (coding exon 9) of the SLC2A1 gene. This alteration results from a G to A substitution at nucleotide position 1256, causing the glycine (G) at amino acid position 419 to be replaced by an aspartic acid (D). This variant was not reported in population-based cohorts in the Genome Aggregation Database (gnomAD). This variant was reported in individual(s) with features consistent with GLUT1 deficiency syndrome; in at least one individual, it was determined to be de novo (Truty, 2019; Zhang, 2021). Additionally, another variant at the same codon, c.1255G>C (p.G419R), has been identified in individual(s) with features consistent with GLUT1 deficiency syndrome (Kim, 2019). This amino acid position is highly conserved in available vertebrate species. This alteration is predicted to be deleterious by in silico analysis. Based on the available evidence, this alteration is classified as likely pathogenic.

Labcorp Genetics (formerly Invitae), Labcorp
Classification: Pathogenic for GLUT1 deficiency syndrome 1, autosomal recessive. Last evaluated: 2022-05-06. Review status: criteria provided, single submitter. Criteria: Invitae Variant Classification Sherloc (09022015). Collection method: clinical testing. Allele origin: germline.
Comment: This missense change has been observed in individual(s) with clinical features of SLC2A1-related conditions (PMID: 33860439; Invitae). In at least one individual the variant was observed to be de novo. For these reasons, this variant has been classified as Pathogenic. Advanced modeling of protein sequence and biophysical properties (such as structural, functional, and spatial information, amino acid conservation, physicochemical variation, residue mobility, and thermodynamic stability) performed at Invitae indicates that this missense variant is expected to disrupt SLC2A1 protein function. ClinVar contains an entry for this variant (Variation ID: 947682). This variant is not present in population databases (gnomAD no frequency). This sequence change replaces glycine, which is neutral and non-polar, with aspartic acid, which is acidic and polar, at codon 419 of the SLC2A1 protein (p.Gly419Asp).

Literature cited by the submitters: PubMed 31440721 (cited by Ambry Genetics); PubMed 31769253 (cited by Ambry Genetics); PubMed 33860439 (cited by Ambry Genetics and Labcorp Genetics (formerly Invitae), Labcorp).